The following is an entry in ClinVar:

ClinVar aggregate classification (germline): Uncertain significance (1 of 4 stars; one submission).

Conditions:
Hereditary pheochromocytoma and paraganglioma. Also called: Hereditary pheochromocytoma-paraganglioma; Hereditary Paraganglioma-Pheochromocytoma Syndromes; Hereditary paragangliomas and pheochromocytomas. Identifiers: Orphanet 29072, MedGen C4274332, MONDO:0017366.

Submission:

Labcorp Genetics (formerly Invitae), Labcorp
Classification: Uncertain significance for Hereditary pheochromocytoma and paraganglioma. Last evaluated: 2023-02-27. Review status: criteria provided, single submitter. Criteria: Invitae Variant Classification Sherloc (09022015). Collection method: clinical testing. Allele origin: germline.
Comment: In summary, the available evidence is currently insufficient to determine the role of this variant in disease. Therefore, it has been classified as a Variant of Uncertain Significance. An algorithm developed to predict the effect of missense changes on protein structure and function (PolyPhen-2) suggests that this variant is likely to be tolerated. ClinVar contains an entry for this variant (Variation ID: 960753). This variant has not been reported in the literature in individuals affected with TMEM127-related conditions. This variant is not present in population databases (gnomAD no frequency). This sequence change replaces alanine, which is neutral and non-polar, with glutamic acid, which is acidic and polar, at codon 43 of the TMEM127 protein (p.Ala43Glu).

NM_017849.4(TMEM127):c.128C>A (p.Ala43Glu)

Gene: TMEM127 (transmembrane protein 127; minus strand). Cytogenetic location: 2q11.2.
Variant type: single nucleotide variant.
Coding change: c.128C>A on transcript NM_017849.4 (MANE Select); coding-DNA position 128, C replaced by A.
Protein change: p.Ala43Glu; replaces alanine 43 with glutamic acid.
Molecular consequence: missense variant.
Genome position (GRCh38, 1-based): chr2:96,265,254, G>T on the plus strand (C>A on the coding strand, the complement: TMEM127 is on the minus strand). VCF-style: chr2-96265254-G-T. GRCh37 (hg19) VCF-style: chr2-96930992-G-T.
Other names: c.128C>A, p.Ala43Glu (NM_001193304.3); short protein forms A43E.
Identifiers: ClinVar variation 960753 (VCV000960753.9), dbSNP rs1684392280, ClinGen allele CA347656058.